The following is an entry in ClinVar:

NM_000210.4(ITGA6):c.2981G>A (p.Gly994Asp)

Genes: ITGA6 (integrin subunit alpha 6; plus strand), PDK1-AS1 (PDK1 and ITGA6 antisense RNA 1; minus strand). Cytogenetic location: 2q31.1.
Variant type: single nucleotide variant.
Coding change: c.2981G>A on transcript NM_000210.4 (MANE Select); coding-DNA position 2981, G replaced by A.
Protein change: p.Gly994Asp; replaces glycine 994 with aspartic acid.
Molecular consequence: missense variant.
Genome position (GRCh38, 1-based): chr2:172,491,516, G>A. VCF-style: chr2-172491516-G-A. GRCh37 (hg19) VCF-style: chr2-173356244-G-A.
Other names: c.2981G>A, p.Gly994Asp (NM_001079818.3); c.2624G>A, p.Gly875Asp (NM_001316306.2); c.2936G>A, p.Gly979Asp (NM_001365529.2, NM_001365530.2); c.3098G>A, p.Gly1033Asp (NM_001394928.1); short protein forms G1033D, G979D, G875D, G994D.
Identifiers: ClinVar variation 1907145 (VCV001907145.4), dbSNP rs766690941, ClinGen allele CA1968553.

ClinVar aggregate classification (germline): Uncertain significance. Review status: criteria provided, multiple submitters, no conflicts (2 of 4 stars). 2 submissions from 2 submitters: Uncertain significance (2). Last evaluated 2024-07-17.

Conditions:
Epidermolysis bullosa, junctional 6, with pyloric atresia. Also called: ITGA6-Related Epidermolysis Bullosa with Pyloric Atresia. Identifiers: MedGen C5676957, MONDO:0859233, OMIM 619817.

Allele frequency attached by ClinVar (database versions not stated): gnomAD exomes 0.00001; ExAC 0.00003.
gnomAD v4.1: 11 of 1,608,972 alleles (0.00068%); highest among the groups gnomAD compares: Admixed American, 0.015%; no homozygotes.

Submissions (2):

Labcorp Genetics (formerly Invitae), Labcorp
Classification: Uncertain significance. Last evaluated: 2024-07-17. Review status: criteria provided, single submitter. Criteria: Invitae Variant Classification Sherloc (09022015). Collection method: clinical testing. Allele origin: germline.
Comment: This sequence change replaces glycine, which is neutral and non-polar, with aspartic acid, which is acidic and polar, at codon 994 of the ITGA6 protein (p.Gly994Asp). This variant is present in population databases (rs766690941, gnomAD 0.03%). This variant has not been reported in the literature in individuals affected with ITGA6-related conditions. ClinVar contains an entry for this variant (Variation ID: 1907145). Advanced modeling of protein sequence and biophysical properties (such as structural, functional, and spatial information, amino acid conservation, physicochemical variation, residue mobility, and thermodynamic stability) performed at Invitae indicates that this missense variant is not expected to disrupt ITGA6 protein function with a negative predictive value of 80%. In summary, the available evidence is currently insufficient to determine the role of this variant in disease. Therefore, it has been classified as a Variant of Uncertain Significance.

Fulgent Genetics
Classification: Uncertain significance for Epidermolysis bullosa, junctional 6, with pyloric atresia. Last evaluated: 2024-06-13. Review status: criteria provided, single submitter. Criteria: ACMG Guidelines, 2015. Collection method: clinical testing. Allele origin: germline.